The following is an entry in ClinVar:

ClinVar aggregate classification (germline): Conflicting classifications of pathogenicity. Review status: criteria provided, conflicting classifications (1 of 4 stars). 2 submissions from 2 submitters: Uncertain significance (1); Likely benign (1). Last evaluated 2023-10-25.

Allele frequency attached by ClinVar (database versions not stated): ExAC 0.00001; gnomAD exomes 0.00001; TOPMed 0.00001; gnomAD 0.00001.
gnomAD v4.1: 14 of 1,614,058 alleles (0.00087%); highest among the groups gnomAD compares: Admixed American, 0.005%; no homozygotes.

Submissions (2):

Women's Health and Genetics/Laboratory Corporation of America, LabCorp
Classification: Likely benign. Last evaluated: 2023-10-25. Review status: criteria provided, single submitter. Criteria: LabCorp Variant Classification Summary - May 2015. Collection method: clinical testing. Allele origin: germline.

Labcorp Genetics (formerly Invitae), Labcorp
Classification: Uncertain significance. Last evaluated: 2022-08-09. Review status: criteria provided, single submitter. Criteria: Invitae Variant Classification Sherloc (09022015). Collection method: clinical testing. Allele origin: germline.
Comment: This sequence change affects codon 1238 of the RTTN mRNA. It is a 'silent' change, meaning that it does not change the encoded amino acid sequence of the RTTN protein. This variant is present in population databases (rs745617052, gnomAD 0.006%). This variant has been observed in individual(s) with RTTN-related conditions (PMID: 29883675). It has also been observed to segregate with disease in related individuals. Algorithms developed to predict the effect of sequence changes on RNA splicing suggest that this variant may disrupt the consensus splice site. In summary, the available evidence is currently insufficient to determine the role of this variant in disease. Therefore, it has been classified as a Variant of Uncertain Significance.

Literature cited by the submitters: PubMed 29883675 (cited by Labcorp Genetics (formerly Invitae), Labcorp).

NM_173630.4(RTTN):c.3714A>G (p.Gln1238=)

Gene: RTTN (rotatin; minus strand). Cytogenetic location: 18q22.2.
Variant type: single nucleotide variant.
Coding change: c.3714A>G on transcript NM_173630.4 (MANE Select); coding-DNA position 3714, A replaced by G.
Protein change: p.Gln1238=; no amino-acid change (glutamine 1238 retained).
Molecular consequence: synonymous variant.
Genome position (GRCh38, 1-based): chr18:70,109,687, T>C on the plus strand (A>G on the coding strand, the complement: RTTN is on the minus strand). VCF-style: chr18-70109687-T-C. GRCh37 (hg19) VCF-style: chr18-67776923-T-C.
Other names: c.978A>G, p.Gln326= (NM_001318520.2).
Identifiers: ClinVar variation 2044187 (VCV002044187.5), dbSNP rs745617052, ClinGen allele CA8995509.